The following is an entry in ClinVar:

NM_032043.3(BRIP1):c.3071G>A (p.Gly1024Glu)

Gene: BRIP1 (BRCA1 interacting DNA helicase 1; minus strand). Cytogenetic location: 17q23.2.
Variant type: single nucleotide variant.
Coding change: c.3071G>A on transcript NM_032043.3 (MANE Select); coding-DNA position 3071, G replaced by A.
Protein change: p.Gly1024Glu; replaces glycine 1024 with glutamic acid.
Molecular consequence: missense variant.
Genome position (GRCh38, 1-based): chr17:61,683,975, C>T on the plus strand (G>A on the coding strand, the complement: BRIP1 is on the minus strand). VCF-style: chr17-61683975-C-T. GRCh37 (hg19) VCF-style: chr17-59761336-C-T.
Other names: short protein forms G1024E.
Identifiers: ClinVar variation 4216253 (VCV004216253.1).

ClinVar aggregate classification (germline): Uncertain significance (1 of 4 stars; one submission).

Conditions:
Hereditary cancer-predisposing syndrome. Also called: Hereditary Cancer Syndrome; Hereditary neoplastic syndrome; Neoplastic Syndromes, Hereditary; Tumor predisposition. Identifiers: Orphanet 140162, MedGen C0027672, MeSH D009386, MONDO:0015356.

gnomAD v4.1: 3 of 1,614,108 alleles (0.00019%); highest among the groups gnomAD compares: Non-Finnish European, 0.00025%; no homozygotes.

Submission:

Ambry Genetics
Classification: Uncertain significance for Hereditary cancer-predisposing syndrome. Last evaluated: 2025-07-09. Review status: criteria provided, single submitter. Criteria: Ambry Variant Classification Scheme 2023. Collection method: clinical testing. Allele origin: germline.
Comment: The p.G1024E variant (also known as c.3071G>A), located in coding exon 19 of the BRIP1 gene, results from a G to A substitution at nucleotide position 3071. The glycine at codon 1024 is replaced by glutamic acid, an amino acid with similar properties. This amino acid position is conserved. In addition, this alteration is predicted to be tolerated by in silico analysis. Based on the available evidence, the clinical significance of this variant remains unclear.